The following is an entry in ClinVar:

NM_001369.3(DNAH5):c.104C>T (p.Ala35Val)

Gene: DNAH5 (dynein axonemal heavy chain 5; minus strand). Cytogenetic location: 5p15.2.
Variant type: single nucleotide variant.
Coding change: c.104C>T on transcript NM_001369.3 (MANE Select); coding-DNA position 104, C replaced by T.
Protein change: p.Ala35Val; replaces alanine 35 with valine.
Molecular consequence: missense variant.
Genome position (GRCh38, 1-based): chr5:13,931,198, G>A on the plus strand (C>T on the coding strand, the complement: DNAH5 is on the minus strand). VCF-style: chr5-13931198-G-A. GRCh37 (hg19) VCF-style: chr5-13931307-G-A.
Other names: short protein forms A35V.
Identifiers: ClinVar variation 1776609 (VCV001776609.7), dbSNP rs371414060, ClinGen allele CA3205282.

ClinVar aggregate classification (germline): Conflicting classifications of pathogenicity. Review status: criteria provided, conflicting classifications (1 of 4 stars). 2 submissions from 2 submitters: Uncertain significance (1); Benign (1). Last evaluated 2025-12-15.

Conditions:
Primary ciliary dyskinesia. Also called: Ciliary dyskinesia. Identifiers: Orphanet 244, MedGen C0008780, MONDO:0016575, HP:0012265.

Allele frequency attached by ClinVar (database versions not stated): ExAC 0.00003; ESP Exome Variant Server 0.00008; TOPMed 0.00011; gnomAD 0.00012.
gnomAD v4.1: 57 of 1,613,982 alleles (0.0035%); highest among the groups gnomAD compares: African/African-American, 0.023%; no homozygotes.

Submissions (2):

Labcorp Genetics (formerly Invitae), Labcorp
Classification: Benign for Primary ciliary dyskinesia. Last evaluated: 2025-12-15. Review status: criteria provided, single submitter. Criteria: Invitae Variant Classification Sherloc (09022015). Collection method: clinical testing. Allele origin: germline.

Ambry Genetics
Classification: Uncertain significance for Primary ciliary dyskinesia. Last evaluated: 2022-03-30. Review status: criteria provided, single submitter. Criteria: Ambry Variant Classification Scheme 2023. Collection method: clinical testing. Allele origin: germline.
Comment: The p.A35V variant (also known as c.104C>T), located in coding exon 2 of the DNAH5 gene, results from a C to T substitution at nucleotide position 104. The alanine at codon 35 is replaced by valine, an amino acid with similar properties. This amino acid position is conserved. In addition, this alteration is predicted to be tolerated by in silico analysis. Since supporting evidence is limited at this time, the clinical significance of this alteration remains unclear.